The following is an entry in ClinVar:

NM_017777.4(MKS1):c.70T>G (p.Leu24Val)

Genes: MKS1 (MKS transition zone complex subunit 1; minus strand), LOC130061271 (ATAC-STARR-seq lymphoblastoid active region 12461; plus strand). Cytogenetic location: 17q22.
Variant type: single nucleotide variant.
Coding change: c.70T>G on transcript NM_017777.4 (MANE Select); coding-DNA position 70, T replaced by G.
Protein change: p.Leu24Val; replaces leucine 24 with valine.
Molecular consequence: missense variant. On other transcripts: 5 prime UTR variant (1).
Genome position (GRCh38, 1-based): chr17:58,219,161, A>C on the plus strand (T>G on the coding strand, the complement: MKS1 is on the minus strand). VCF-style: chr17-58219161-A-C. GRCh37 (hg19) VCF-style: chr17-56296522-A-C.
Other names: c.-442T>G (NM_001321268.2); c.70T>G, p.Leu24Val (NM_001321269.2, NM_001330397.2, NM_001411113.1); short protein forms L24V.
Identifiers: ClinVar variation 4057705 (VCV004057705.2).

ClinVar aggregate classification (germline): Uncertain significance. Review status: criteria provided, single submitter (1 of 4 stars). 2 submissions from 2 submitters: Uncertain significance (1). 1 of the submissions does not count toward it. Last evaluated 2025-07-25.

Conditions:
Meckel syndrome, type 1 (MKS1). Also called: MECKEL-GRUBER SYNDROME, TYPE 1. Identifiers: Orphanet 564, MedGen C3714506, MONDO:0009571, OMIM 249000.
MKS1-related disorder. Also called: MKS1-related condition; MKS1-related disorders. Identifiers: MedGen CN239382.

gnomAD v4.1: 1 of 1,551,274 alleles (0.000064%); highest among the groups gnomAD compares: South Asian, 0.0012%; no homozygotes.

Submissions (2):

PreventionGenetics, part of Exact Sciences
Classification: Uncertain significance for MKS1-related condition. Last evaluated: 2025-07-25. Review status: criteria provided, single submitter. Criteria: ACMG Guidelines, 2015. Collection method: clinical testing. Allele origin: germline.
Comment: The MKS1 c.70T>G variant is predicted to result in the amino acid substitution p.Leu24Val. To our knowledge, this variant has not been reported in the literature or in a large population database (gnomAD), indicating this variant is rare. At this time, the clinical significance of this variant is uncertain due to the absence of conclusive functional and genetic evidence.

Natera, Inc.
Classification: Uncertain significance for Meckel syndrome type 1. Last evaluated: 2025-05-09. Review status: no assertion criteria provided. Collection method: clinical testing. Allele origin: germline. Not counted in ClinVar's aggregate classification.